The following is an entry in ClinVar:

ClinVar aggregate classification (germline): Pathogenic. Review status: criteria provided, multiple submitters, no conflicts (2 of 4 stars). 2 submissions from 2 submitters: Pathogenic (2). Last evaluated 2023-11-20.

Conditions:
Breast neoplasm. Also called: Breast Neoplasms; Neoplasm of breast; Breast tumor; Neoplasm of the breast. Identifiers: MedGen C1458155, MeSH D001943, MONDO:0021100, HP:0100013. Disease mechanism: gain of function.
Familial cancer of breast. Also called: hereditary breast carcinoma; Hereditary breast cancer; BREAST CANCER, FAMILIAL. Identifiers: Orphanet 227535, MedGen C0346153, MONDO:0016419, OMIM 114480. Disease mechanism: loss of function.

Submissions (2):

Labcorp Genetics (formerly Invitae), Labcorp
Classification: Pathogenic for Familial cancer of breast. Last evaluated: 2023-11-20. Review status: criteria provided, single submitter. Criteria: Invitae Variant Classification Sherloc (09022015). Collection method: clinical testing. Allele origin: germline.
Comment: This sequence change creates a premature translational stop signal (p.Glu215*) in the PALB2 gene. It is expected to result in an absent or disrupted protein product. Loss-of-function variants in PALB2 are known to be pathogenic (PMID: 17200668, 17200671, 17200672, 24136930, 25099575). This variant is not present in population databases (gnomAD no frequency). This premature translational stop signal has been observed in individual(s) with a personal or family history of breast cancer (PMID: 29566657, 30720863). ClinVar contains an entry for this variant (Variation ID: 430594). For these reasons, this variant has been classified as Pathogenic.

Yang An-Suei Laboratory, Academia Sinica
Classification: Pathogenic for breast cancer. Review status: criteria provided, single submitter. Criteria: Submitter's publication. Collection method: clinical testing. Allele origin: germline. Affected: yes.

Literature cited by the submitters: PubMed 17200668 (cited by Labcorp Genetics (formerly Invitae), Labcorp); PubMed 17200671 (cited by Labcorp Genetics (formerly Invitae), Labcorp); PubMed 17200672 (cited by Labcorp Genetics (formerly Invitae), Labcorp); PubMed 24136930 (cited by Labcorp Genetics (formerly Invitae), Labcorp); PubMed 25099575 (cited by Labcorp Genetics (formerly Invitae), Labcorp); PubMed 29566657 (cited by Labcorp Genetics (formerly Invitae), Labcorp); PubMed 30720863 (cited by Labcorp Genetics (formerly Invitae), Labcorp).

NM_024675.4(PALB2):c.643G>T (p.Glu215Ter)

Gene: PALB2 (partner and localizer of BRCA2; minus strand). Cytogenetic location: 16p12.2.
Variant type: single nucleotide variant.
Coding change: c.643G>T on transcript NM_024675.4 (MANE Select); coding-DNA position 643, G replaced by T.
Protein change: p.Glu215Ter; replaces glutamic acid 215 with a stop codon.
Molecular consequence: nonsense.
Genome position (GRCh38, 1-based): chr16:23,635,903, C>A on the plus strand (G>T on the coding strand, the complement: PALB2 is on the minus strand). VCF-style: chr16-23635903-C-A. GRCh37 (hg19) VCF-style: chr16-23647224-C-A.
Other names: short protein forms E215*.
Identifiers: ClinVar variation 430594 (VCV000430594.10), dbSNP rs1555461693, ClinGen allele CA395136539.